The following is an entry in ClinVar:

NM_016929.5(CLIC5):c.216G>C (p.Pro72=)

Gene: CLIC5 (CLIC family member 5; minus strand). Cytogenetic location: 6p21.1.
Variant type: single nucleotide variant.
Coding change: c.216G>C on transcript NM_016929.5 (MANE Select); coding-DNA position 216, G replaced by C.
Protein change: p.Pro72=; no amino-acid change (proline 72 retained).
Molecular consequence: synonymous variant.
Genome position (GRCh38, 1-based): chr6:45,949,339, C>G on the plus strand (G>C on the coding strand, the complement: CLIC5 is on the minus strand). VCF-style: chr6-45949339-C-G. GRCh37 (hg19) VCF-style: chr6-45917076-C-G.
Other names: c.693G>C, p.Pro231= (NM_001114086.2, NM_001370650.1); c.216G>C, p.Pro72= (NM_001256023.2); c.99G>C, p.Pro33= (NM_001370649.1).
Identifiers: ClinVar variation 1661121 (VCV001661121.36), dbSNP rs373031546, ClinGen allele CA3836868.

ClinVar aggregate classification (germline): Likely benign. Review status: criteria provided, multiple submitters, no conflicts (2 of 4 stars). 2 submissions from 2 submitters: Likely benign (2). Last evaluated 2025-07-01.

Allele frequency attached by ClinVar (database versions not stated): ExAC 0.00002; ESP Exome Variant Server 0.00008.
gnomAD v4.1: 30 of 1,613,760 alleles (0.0019%); highest among the groups gnomAD compares: African/African-American, 0.035%; no homozygotes.

Submissions (2):

Labcorp Genetics (formerly Invitae), Labcorp
Classification: Likely benign. Last evaluated: 2025-07-01. Review status: criteria provided, single submitter. Criteria: Invitae Variant Classification Sherloc (09022015). Collection method: clinical testing. Allele origin: germline.

CeGaT Center for Human Genetics Tuebingen
Classification: Likely benign. Last evaluated: 2023-03-01. Review status: criteria provided, single submitter. Criteria: CeGaT Center For Human Genetics Tuebingen Variant Classification Criteria Version 2. Collection method: clinical testing. Allele origin: germline. Affected: yes. Observed: 1 variant allele.
Comment: CLIC5: BP4, BP7